The following is an entry in ClinVar:

ClinVar aggregate classification (germline): Uncertain significance. Review status: criteria provided, multiple submitters, no conflicts (2 of 4 stars). 3 submissions from 3 submitters: Uncertain significance (3). Last evaluated 2025-05-28.

Conditions:
Inborn genetic diseases. Identifiers: MedGen C0950123, MeSH D030342.
HNSHA due to aldolase A deficiency (GSD12). Also called: Glycogen storage disease due to aldolase A deficiency; GLYCOGEN STORAGE DISEASE XII; GSD XII; RED CELL ALDOLASE DEFICIENCY. Identifiers: Orphanet 57, MedGen C0272066, MONDO:0012747, OMIM 611881.

Allele frequency attached by ClinVar (database versions not stated): gnomAD exomes below 0.00001 and 0.00002; ExAC 0.00002; gnomAD 0.00007; ESP Exome Variant Server 0.00008; TOPMed 0.00008.
gnomAD v4.1: 16 of 1,613,764 alleles (0.00099%); highest among the groups gnomAD compares: African/African-American, 0.02%; no homozygotes.

Submissions (3):

Ambry Genetics
Classification: Uncertain significance for Inborn genetic diseases. Last evaluated: 2025-05-28. Review status: criteria provided, single submitter. Criteria: Ambry Variant Classification Scheme 2023. Collection method: clinical testing. Allele origin: germline.

Mayo Clinic Laboratories, Mayo Clinic
Classification: Uncertain significance. Last evaluated: 2023-01-09. Review status: criteria provided, single submitter. Criteria: ACMG Guidelines, 2015. Collection method: clinical testing. Allele origin: germline. Observed: 1 variant allele.

Labcorp Genetics (formerly Invitae), Labcorp
Classification: Uncertain significance for HNSHA due to aldolase A deficiency. Last evaluated: 2022-02-08. Review status: criteria provided, single submitter. Criteria: Invitae Variant Classification Sherloc (09022015). Collection method: clinical testing. Allele origin: germline.
Comment: This sequence change replaces threonine, which is neutral and polar, with isoleucine, which is neutral and non-polar, at codon 255 of the ALDOA protein (p.Thr255Ile). This variant is present in population databases (rs368207656, gnomAD 0.02%). This variant has not been reported in the literature in individuals affected with ALDOA-related conditions. Algorithms developed to predict the effect of missense changes on protein structure and function are either unavailable or do not agree on the potential impact of this missense change (SIFT: "Tolerated"; PolyPhen-2: "Possibly Damaging"; Align-GVGD: "Class C0"). In summary, the available evidence is currently insufficient to determine the role of this variant in disease. Therefore, it has been classified as a Variant of Uncertain Significance.

NM_001243177.4(ALDOA):c.926C>T (p.Thr309Ile)

Genes: ALDOA (aldolase, fructose-bisphosphate A; plus strand), LOC112694756 (uncharaterized LOC112694756; plus strand). Cytogenetic location: 16p11.2.
Variant type: single nucleotide variant.
Coding change: c.926C>T on transcript NM_001243177.4 (MANE Select); coding-DNA position 926, C replaced by T.
Protein change: p.Thr309Ile; replaces threonine 309 with isoleucine.
Molecular consequence: missense variant. On other transcripts: 3 prime UTR variant (3).
Genome position (GRCh38, 1-based): chr16:30,069,638, C>T. VCF-style: chr16-30069638-C-T. GRCh37 (hg19) VCF-style: chr16-30080959-C-T.
Other names: NM_000034.3:c.764C>T; p.Thr255Ile; c.*1273C>T (NM_001365304.2, NM_001365305.2, NM_001365307.2); c.764C>T, p.Thr255Ile (NM_001127617.2, NM_184041.5, NM_184043.2); short protein forms T255I, T309I.
Identifiers: ClinVar variation 1524982 (VCV001524982.5), dbSNP rs368207656, ClinGen allele CA8001118.
Genomic context (GRCh38, chr16:30,069,638, plus strand): 5'-CCCCAGGCCATGCTTGCACTCAGAAGTTTTCTCATGAGGAGATTGCCATGGCGACCGTCA[C>T]AGCGCTGCGCCGCACAGTGCCCCCCGCTGTCACTGGTGAGGCCCACACTCATCTTGATCT-3'
Protein context (NP_001230106.1, residues 299-319): SHEEIAMATV[Thr309Ile]ALRRTVPPAV